The following is an entry in ClinVar:

ClinVar aggregate classification (germline): Uncertain significance (1 of 4 stars; one submission).

Conditions:
Arrhythmogenic cardiomyopathy with wooly hair and keratoderma. Also called: Carvajal syndrome; PALMOPLANTAR KERATODERMA WITH LEFT VENTRICULAR CARDIOMYOPATHY AND WOOLLY HAIR; Dilated cardiomyopathy with woolly hair and keratoderma; Arrhythmogenic cardiomyopathy with woolly hair and keratoderma. Identifiers: Orphanet 65282, MedGen C1854063, MONDO:0011581, OMIM 605676.

Submission:

All of Us Research Program, National Institutes of Health
Classification: Uncertain significance for Arrhythmogenic cardiomyopathy with wooly hair and keratoderma. Last evaluated: 2023-03-09. Review status: criteria provided, single submitter. Criteria: ACMG Guidelines, 2015. Collection method: clinical testing. Allele origin: germline. Inheritance: Autosomal dominant inheritance. Observed: 1 variant allele, 1 heterozygote.
Comment: This missense variant replaces serine with asparagine at codon 1743 of the DSP protein. Computational prediction suggests that this variant may not impact protein structure and function (internally defined REVEL score threshold <= 0.5, PMID: 27666373). To our knowledge, functional studies have not been reported for this variant. This variant has not been reported in individuals affected with DSP-related disorders in the literature. This variant has not been identified in the general population by the Genome Aggregation Database (gnomAD). The available evidence is insufficient to determine the role of this variant in disease conclusively. Therefore, this variant is classified as a Variant of Uncertain Significance.

This study involves interpretation of variants in research participants for the purpose of population health screening. Participant phenotype was not available at the time of variant classification. Additional details can be found in publication PMID: 35346344, PMCID: PMC8962531

NM_004415.4(DSP):c.5228G>A (p.Ser1743Asn)

Gene: DSP (desmoplakin; plus strand). Cytogenetic location: 6p24.3.
Variant type: single nucleotide variant.
Coding change: c.5228G>A on transcript NM_004415.4 (MANE Select); coding-DNA position 5228, G replaced by A.
Protein change: p.Ser1743Asn; replaces serine 1743 with asparagine.
Molecular consequence: missense variant. On other transcripts: intron variant (2).
Genome position (GRCh38, 1-based): chr6:7,581,418, G>A. VCF-style: chr6-7581418-G-A. GRCh37 (hg19) VCF-style: chr6-7581651-G-A.
Other names: c.4050+1178G>A (NM_001319034.2); c.3583-1224G>A (NM_001008844.3); short protein forms S1743N.
Identifiers: ClinVar variation 3069776 (VCV003069776.1), dbSNP rs2533932202, ClinGen allele CA362688130.